The following is an entry in ClinVar:

NM_000282.4(PCCA):c.440del (p.Leu146_Ser147insTer)

Gene: PCCA (propionyl-CoA carboxylase subunit alpha; plus strand). Cytogenetic location: 13q32.3.
Variant type: Deletion.
Coding change: c.440del on transcript NM_000282.4 (MANE Select); coding-DNA position 440, one base deleted (C; older notation c.440delC).
Protein change: p.Leu146_Ser147insTer.
Molecular consequence: nonsense. On other transcripts: 5 prime UTR variant (3), non-coding transcript variant (5).
Genome position (GRCh38, 1-based): chr13:100,157,312, C deleted. VCF-style (leftmost placement, unchanged base first): chr13-100157311-TC-T. GRCh37 (hg19) VCF-style: chr13-100809565-TC-T.
Other names: c.362del, p.Leu120_Ser121insTer (NM_001352607.2, NM_001352608.2, NM_001127692.3); c.440del, p.Leu146_Ser147insTer (NM_001352609.2, NM_001178004.2, NM_001352605.2 and 1 more transcripts); c.440delC (NM_000282.3, NM_000282.4); c.-427del (NM_001352610.2, NM_001352611.2, NM_001352612.2).
Identifiers: ClinVar variation 557830 (VCV000557830.8), dbSNP rs1555361758, ClinGen allele CA658823740.

ClinVar aggregate classification (germline): Pathogenic. Review status: criteria provided, multiple submitters, no conflicts (2 of 4 stars). 4 submissions from 4 submitters: Pathogenic (3). 1 of the submissions does not count toward it. Last evaluated 2023-11-16.

Conditions:
Propionic acidemia (PROP). Also called: GLYCINEMIA, KETOTIC; HYPERGLYCINEMIA WITH KETOACIDOSIS AND LEUKOPENIA; KETOTIC HYPERGLYCINEMIA. Identifiers: Orphanet 35, MedGen C0268579, MONDO:0011628, OMIM 606054, HP:0003571.

Submissions (4):

Baylor Genetics
Classification: Pathogenic for Propionic acidemia. Last evaluated: 2023-11-16. Review status: criteria provided, single submitter. Criteria: ACMG Guidelines, 2015. Collection method: clinical testing. Allele origin: unknown.

Women's Health and Genetics/Laboratory Corporation of America, LabCorp
Classification: Pathogenic for Propionic acidemia. Last evaluated: 2023-11-16. Review status: criteria provided, single submitter. Criteria: LabCorp Variant Classification Summary - May 2015. Collection method: clinical testing. Allele origin: germline.
Comment: Variant summary: PCCA c.440delC (p.Ser147X) results in a premature termination codon and is predicted to cause absence of the protein due to nonsense mediated decay, a commonly known mechanism for disease. The variant was absent in 251170 control chromosomes (gnomAD). c.440delC has been reported in the literature in at least one individual affected with Propionic Acidemia (e.g. Campeau_2001). To our knowledge, no experimental evidence demonstrating an impact on protein function has been reported. The following publication has been ascertained in the context of this evaluation (PMID: 11592820). Two submitters have cited clinical-significance assessments for this variant to ClinVar after 2014. Both submitters classified the variant as pathogenic/likely pathogenic. Based on the evidence outlined above, the variant was classified as pathogenic.

GeneDx
Classification: Pathogenic. Last evaluated: 2022-08-03. Review status: criteria provided, single submitter. Criteria: GeneDx Variant Classification Process June 2021. Collection method: clinical testing. Allele origin: germline. Affected: yes.
Comment: Nonsense variant predicted to result in protein truncation or nonsense mediated decay in a gene for which loss of function is a known mechanism of disease; Not observed at significant frequency in large population cohorts (gnomAD); This variant is associated with the following publications: (PMID: 11592820, 10780784)

Counsyl
Classification: Likely pathogenic for Propionic acidemia. Last evaluated: 2018-04-09. Review status: no assertion criteria provided. Collection method: clinical testing. Allele origin: unknown. Not counted in ClinVar's aggregate classification.

Literature cited by the submitters: PubMed 11592820 (cited by Women's Health and Genetics/Laboratory Corporation of America, LabCorp and Counsyl).